The following is an entry in ClinVar:

NM_000059.4(BRCA2):c.4323G>A (p.Glu1441=)

Gene: BRCA2 (BRCA2 DNA repair associated; plus strand). Cytogenetic location: 13q13.1.
Variant type: single nucleotide variant.
Coding change: c.4323G>A on transcript NM_000059.4 (MANE Select); coding-DNA position 4323, G replaced by A.
Protein change: p.Glu1441=; no amino-acid change (glutamic acid 1441 retained).
Molecular consequence: synonymous variant.
Genome position (GRCh38, 1-based): chr13:32,338,678, G>A. VCF-style: chr13-32338678-G-A. GRCh37 (hg19) VCF-style: chr13-32912815-G-A.
Identifiers: ClinVar variation 233384 (VCV000233384.19), dbSNP rs876660370, ClinGen allele CA10579611.

ClinVar aggregate classification (germline): Likely benign. Review status: reviewed by expert panel (3 of 4 stars). 5 submissions from 5 submitters: Likely benign (1). 4 of the submissions do not count toward it. Last evaluated 2017-06-29.

Conditions:
Hereditary cancer-predisposing syndrome. Also called: Hereditary neoplastic syndrome; Hereditary Cancer Syndrome; Neoplastic Syndromes, Hereditary; Tumor predisposition. Identifiers: Orphanet 140162, MedGen C0027672, MeSH D009386, MONDO:0015356.
Hereditary breast ovarian cancer syndrome. Also called: BRCA1- and BRCA2-Associated Hereditary Breast and Ovarian Cancer; Breast and ovarian cancer; Hereditary breast and/or ovarian cancer syndrome; Hereditary breast and ovarian cancer syndrome (HBOC); Hereditary breast and ovarian cancer syndrome; Hereditary breast and ovarian cancer. Identifiers: Orphanet 145, MedGen C0677776, MeSH D061325, MONDO:0003582. Disease mechanism: loss of function.
Breast-ovarian cancer, familial, susceptibility to, 2 (BROVCA2). Also called: BRCA2 Hereditary Breast and Ovarian Cancer. Identifiers: Orphanet 145, MedGen C2675520, MONDO:0012933, OMIM 612555. Disease mechanism: loss of function.

Allele frequency attached by ClinVar (database versions not stated): gnomAD exomes below 0.00001.

Submissions (5):

Evidence-based Network for the Interpretation of Germline Mutant Alleles (ENIGMA)
Classification: Likely benign for Breast-ovarian cancer, familial, susceptibility to, 2. Last evaluated: 2017-06-29. Review status: reviewed by expert panel. Criteria: ENIGMA BRCA1/2 Classification Criteria (2017-06-29). Collection method: curation. Allele origin: germline.
Comment: Synonymous substitution variant, with low bioinformatic likelihood to result in a splicing aberration (Splicing prior probability 0.02).

CeGaT Center for Human Genetics Tuebingen
Classification: Likely benign. Last evaluated: 2026-08-01. Review status: criteria provided, single submitter. Criteria: CeGaT Center For Human Genetics Tuebingen Variant Classification Criteria Version 2. Collection method: clinical testing. Allele origin: germline. Affected: yes. Observed: 1 variant allele. Not counted in ClinVar's aggregate classification.
Comment: BRCA2: BP4, BP7

Labcorp Genetics (formerly Invitae), Labcorp
Classification: Likely benign for Hereditary breast ovarian cancer syndrome. Last evaluated: 2025-10-27. Review status: criteria provided, single submitter. Criteria: Invitae Variant Classification Sherloc (09022015). Collection method: clinical testing. Allele origin: germline. Not counted in ClinVar's aggregate classification.

Color Diagnostics, LLC DBA Color Health
Classification: Likely benign for Hereditary cancer-predisposing syndrome. Last evaluated: 2019-02-04. Review status: criteria provided, single submitter. Criteria: ACMG Guidelines, 2015. Collection method: clinical testing. Allele origin: germline. Not counted in ClinVar's aggregate classification.

Ambry Genetics
Classification: Likely benign for Hereditary cancer-predisposing syndrome. Last evaluated: 2015-08-11. Review status: criteria provided, single submitter. Criteria: Ambry Variant Classification Scheme 2023. Collection method: clinical testing. Allele origin: germline. Not counted in ClinVar's aggregate classification.